The following is an entry in ClinVar:

ClinVar aggregate classification (germline): Uncertain significance (1 of 4 stars; one submission).

Conditions:
Cardiovascular phenotype. Identifiers: MedGen CN230736.

Submission:

Ambry Genetics
Classification: Uncertain significance for Cardiovascular phenotype. Last evaluated: 2020-11-30. Review status: criteria provided, single submitter. Criteria: Ambry Variant Classification Scheme 2023. Collection method: clinical testing. Allele origin: germline.
Comment: The p.A107V variant (also known as c.320C>T), located in coding exon 4 of the NEXN gene, results from a C to T substitution at nucleotide position 320. The alanine at codon 107 is replaced by valine, an amino acid with similar properties. This amino acid position is well conserved in available vertebrate species. In addition, this alteration is predicted to be tolerated by in silico analysis. Since supporting evidence is limited at this time, the clinical significance of this alteration remains unclear.

NM_144573.4(NEXN):c.320C>T (p.Ala107Val)

Genes: NEXN (nexilin F-actin binding protein; plus strand), LOC126805765 (BRD4-independent group 4 enhancer GRCh37_chr1:78383688-78384887; plus strand). Cytogenetic location: 1p31.1.
Variant type: single nucleotide variant.
Coding change: c.320C>T on transcript NM_144573.4 (MANE Select); coding-DNA position 320, C replaced by T.
Protein change: p.Ala107Val; replaces alanine 107 with valine.
Molecular consequence: missense variant.
Genome position (GRCh38, 1-based): chr1:77,918,146, C>T. VCF-style: chr1-77918146-C-T. GRCh37 (hg19) VCF-style: chr1-78383831-C-T.
Other names: c.128C>T, p.Ala43Val (NM_001172309.2); short protein forms A107V, A43V.
Identifiers: ClinVar variation 1728910 (VCV001728910.2), dbSNP rs1649126584, ClinGen allele CA340886459.
Genomic context (GRCh38, chr1:77,918,146, plus strand): 5'-CATAACCAAGTATCAAACTTTTTTTTCATATATTTTTAGGAACTGTGAAGGGTAGATTTG[C>T]TGAAATGGAGAAACAAAGACAAGAGGAACAAAGGAAGAGAACGGAGGAGGAACGAAAACG-3'
Protein context (NP_653174.3, residues 97-117): KLTGTVKGRF[Ala107Val]EMEKQRQEEQ